The following is an entry in ClinVar:

NM_001211.6(BUB1B):c.2693A>G (p.Tyr898Cys)

Genes: BUB1B (BUB1 mitotic checkpoint serine/threonine kinase B; plus strand), BUB1B-PAK6 (BUB1B-PAK6 readthrough; plus strand). Cytogenetic location: 15q15.1.
Variant type: single nucleotide variant.
Coding change: c.2693A>G on transcript NM_001211.6 (MANE Select); coding-DNA position 2693, A replaced by G.
Protein change: p.Tyr898Cys; replaces tyrosine 898 with cysteine.
Molecular consequence: missense variant. On other transcripts: 5 prime UTR variant (2).
Genome position (GRCh38, 1-based): chr15:40,217,510, A>G. VCF-style: chr15-40217510-A-G. GRCh37 (hg19) VCF-style: chr15-40509711-A-G.
Other names: c.-358A>G (NM_001128628.3); c.-275A>G (NM_001128629.3); short protein forms Y898C.
Identifiers: ClinVar variation 837582 (VCV000837582.14), dbSNP rs757927200, ClinGen allele CA7476107.

ClinVar aggregate classification (germline): Uncertain significance. Review status: criteria provided, multiple submitters, no conflicts (2 of 4 stars). 2 submissions from 2 submitters: Uncertain significance (2). Last evaluated 2024-05-13.

Conditions:
Inborn genetic diseases. Identifiers: MedGen C0950123, MeSH D030342.
Mosaic variegated aneuploidy syndrome 1 (MVA1). Also called: Warburton-Anyane-Yeboa syndrome. Identifiers: Orphanet 1052, MedGen C1850343, MONDO:0009759, OMIM 257300.

Allele frequency attached by ClinVar (database versions not stated): ExAC 0.00001; gnomAD 0.00001; gnomAD exomes 0.00001 and 0.00002; TOPMed 0.00002.
gnomAD v4.1: 7 of 1,613,874 alleles (0.00043%); highest among the groups gnomAD compares: Admixed American, 0.01%; no homozygotes.

Submissions (2):

Labcorp Genetics (formerly Invitae), Labcorp
Classification: Uncertain significance for Mosaic variegated aneuploidy syndrome 1. Last evaluated: 2024-05-13. Review status: criteria provided, single submitter. Criteria: Invitae Variant Classification Sherloc (09022015). Collection method: clinical testing. Allele origin: germline.
Comment: This sequence change replaces tyrosine, which is neutral and polar, with cysteine, which is neutral and slightly polar, at codon 898 of the BUB1B protein (p.Tyr898Cys). This variant is present in population databases (rs757927200, gnomAD 0.01%). This variant has not been reported in the literature in individuals affected with BUB1B-related conditions. ClinVar contains an entry for this variant (Variation ID: 837582). Algorithms developed to predict the effect of missense changes on protein structure and function output the following: SIFT: "Not Available"; PolyPhen-2: "Benign"; Align-GVGD: "Not Available". The cysteine amino acid residue is found in multiple mammalian species, which suggests that this missense change does not adversely affect protein function. In summary, the available evidence is currently insufficient to determine the role of this variant in disease. Therefore, it has been classified as a Variant of Uncertain Significance.

Ambry Genetics
Classification: Uncertain significance for Inborn genetic diseases. Last evaluated: 2024-05-02. Review status: criteria provided, single submitter. Criteria: Ambry Variant Classification Scheme 2023. Collection method: clinical testing. Allele origin: germline.
Comment: The p.Y898C variant (also known as c.2693A>G), located in coding exon 21 of the BUB1B gene, results from an A to G substitution at nucleotide position 2693. The tyrosine at codon 898 is replaced by cysteine, an amino acid with highly dissimilar properties. This amino acid position is conserved. In addition, this alteration is predicted to be tolerated by in silico analysis. Since supporting evidence is limited at this time, the clinical significance of this alteration remains unclear.